The following is an entry in ClinVar:

NM_001040142.2(SCN2A):c.254A>T (p.Tyr85Phe)

Gene: SCN2A (sodium voltage-gated channel alpha subunit 2; plus strand). Cytogenetic location: 2q24.3.
Variant type: single nucleotide variant.
Coding change: c.254A>T on transcript NM_001040142.2 (MANE Select); coding-DNA position 254, A replaced by T.
Protein change: p.Tyr85Phe; replaces tyrosine 85 with phenylalanine.
Molecular consequence: missense variant.
Genome position (GRCh38, 1-based): chr2:165,296,077, A>T. VCF-style: chr2-165296077-A-T. GRCh37 (hg19) VCF-style: chr2-166152587-A-T.
Other names: c.254A>T, p.Tyr85Phe (NM_001040143.2, NM_001371246.1, NM_001371247.1 and 1 more transcripts); short protein forms Y85F.
Identifiers: ClinVar variation 2950528 (VCV002950528.3), dbSNP rs1282884197, ClinGen allele CA349010936.

ClinVar aggregate classification (germline): Uncertain significance (1 of 4 stars; one submission).

Conditions:
Developmental and epileptic encephalopathy, 11 (DEE11). Also called: Early infantile epileptic encephalopathy 11. Identifiers: Orphanet 1934, MedGen C3150987, MONDO:0013388, OMIM 613721.
Seizures, benign familial infantile, 3 (BFIS3). Also called: Familial neonatal seizures; CONVULSIONS, BENIGN FAMILIAL INFANTILE, 3. Identifiers: Orphanet 140927, Orphanet 306, MedGen C1843140, MONDO:0011904, OMIM 607745.

Allele frequency attached by ClinVar (database versions not stated): TOPMed below 0.00001; gnomAD 0.00001.
gnomAD v4.1: 1 of 1,613,290 alleles (0.000062%); highest among the groups gnomAD compares: Non-Finnish European, 0.000085%; no homozygotes.

Submission:

Labcorp Genetics (formerly Invitae), Labcorp
Classification: Uncertain significance for Seizures, benign familial infantile, 3; Developmental and epileptic encephalopathy, 11. Last evaluated: 2025-01-11. Review status: criteria provided, single submitter. Criteria: Invitae Variant Classification Sherloc (09022015). Collection method: clinical testing. Allele origin: germline.
Comment: This sequence change replaces tyrosine, which is neutral and polar, with phenylalanine, which is neutral and non-polar, at codon 85 of the SCN2A protein (p.Tyr85Phe). This variant is not present in population databases (gnomAD no frequency). This missense change has been observed in individual(s) with clinical features of SNC2A-related condition (internal data). ClinVar contains an entry for this variant (Variation ID: 2950528). Invitae Evidence Modeling of protein sequence and biophysical properties (such as structural, functional, and spatial information, amino acid conservation, physicochemical variation, residue mobility, and thermodynamic stability) indicates that this missense variant is expected to disrupt SCN2A protein function with a positive predictive value of 95%. In summary, the available evidence is currently insufficient to determine the role of this variant in disease. Therefore, it has been classified as a Variant of Uncertain Significance.